The following is an entry in ClinVar:

NM_004370.6(COL12A1):c.5939T>G (p.Ile1980Arg)

Gene: COL12A1 (collagen type XII alpha 1 chain; minus strand). Cytogenetic location: 6q13.
Variant type: single nucleotide variant.
Coding change: c.5939T>G on transcript NM_004370.6 (MANE Select); coding-DNA position 5939, T replaced by G.
Protein change: p.Ile1980Arg; replaces isoleucine 1980 with arginine.
Molecular consequence: missense variant.
Genome position (GRCh38, 1-based): chr6:75,130,980, A>C on the plus strand (T>G on the coding strand, the complement: COL12A1 is on the minus strand). VCF-style: chr6-75130980-A-C. GRCh37 (hg19) VCF-style: chr6-75840696-A-C.
Other names: c.2447T>G, p.Ile816Arg (NM_080645.3); short protein forms I1980R, I816R.
Identifiers: ClinVar variation 945443 (VCV000945443.11), dbSNP rs540867293, ClinGen allele CA3892952.

ClinVar aggregate classification (germline): Uncertain significance. Review status: criteria provided, multiple submitters, no conflicts (2 of 4 stars). 2 submissions from 2 submitters: Uncertain significance (2). Last evaluated 2024-11-19.

Conditions:
Ullrich congenital muscular dystrophy 2 (UCMD2). Identifiers: Orphanet 75840, MedGen C4225314, MONDO:0014654, OMIM 616470.
Bethlem myopathy 2 (BTHLM2). Identifiers: Orphanet 536516, Orphanet 610, MedGen C4225313, MONDO:0034022, OMIM 616471.

Allele frequency attached by ClinVar (database versions not stated): TOPMed below 0.00001; gnomAD 0.00007; 1000 Genomes Project 30x 0.00016; 1000 Genomes Project 0.00020.
gnomAD v4.1: 12 of 1,614,136 alleles (0.00074%); highest among the groups gnomAD compares: Admixed American, 0.02%; 1 homozygote.

Submissions (2):

Labcorp Genetics (formerly Invitae), Labcorp
Classification: Uncertain significance for Bethlem myopathy 2; Ullrich congenital muscular dystrophy 2. Last evaluated: 2024-11-19. Review status: criteria provided, single submitter. Criteria: Invitae Variant Classification Sherloc (09022015). Collection method: clinical testing. Allele origin: germline.
Comment: This sequence change replaces isoleucine, which is neutral and non-polar, with arginine, which is basic and polar, at codon 1980 of the COL12A1 protein (p.Ile1980Arg). This variant is present in population databases (rs540867293, gnomAD 0.006%). This variant has not been reported in the literature in individuals affected with COL12A1-related conditions. ClinVar contains an entry for this variant (Variation ID: 945443). An algorithm developed to predict the effect of missense changes on protein structure and function (PolyPhen-2) suggests that this variant is likely to be disruptive. In summary, the available evidence is currently insufficient to determine the role of this variant in disease. Therefore, it has been classified as a Variant of Uncertain Significance.

Blueprint Genetics
Classification: Uncertain significance. Last evaluated: 2023-10-20. Review status: criteria provided, single submitter. Criteria: ACMG Guidelines, 2015. Collection method: clinical testing. Allele origin: germline.